The following is an entry in ClinVar:

NM_001395413.1(POR):c.596G>A (p.Arg199His)

Gene: POR (cytochrome p450 oxidoreductase; plus strand). Cytogenetic location: 7q11.23.
Variant type: single nucleotide variant.
Coding change: c.596G>A on transcript NM_001395413.1 (MANE Select); coding-DNA position 596, G replaced by A.
Protein change: p.Arg199His; replaces arginine 199 with histidine.
Molecular consequence: missense variant.
Genome position (GRCh38, 1-based): chr7:75,981,136, G>A. VCF-style: chr7-75981136-G-A. GRCh37 (hg19) VCF-style: chr7-75610454-G-A.
Other names: c.605G>A (NM_000941.3); c.596G>A, p.Arg199His (NM_001367562.3, NM_001382657.2, NM_001382658.3 and 2 more transcripts); c.650G>A, p.Arg217His (NM_001382655.3); short protein forms R199H, R217H.
Identifiers: ClinVar variation 4853948 (VCV004853948.1).
Genomic context (GRCh38, chr7:75,981,136, plus strand): 5'-AGCACTTCAATGCCATGGGCAAGTACGTGGACAAGCGGCTGGAGCAGCTCGGCGCCCAGC[G>A]CATCTTTGAGCTGGGGTTGGGCGACGACGATGGGAAGTGAGTGCCCACCCTGCCACCATG-3'
Protein context (NP_001382342.1, residues 189-209): DKRLEQLGAQ[Arg199His]IFELGLGDDD

ClinVar aggregate classification (germline): Uncertain significance (1 of 4 stars; one submission).

Conditions:
Antley-Bixler syndrome with genital anomalies and disordered steroidogenesis (ABS1). Also called: POR Deficiency. Identifiers: Orphanet 63269, MedGen C3150099, MONDO:0008726, OMIM 201750.

Submission:

3billion
Classification: Uncertain significance for Antley-Bixler syndrome with genital anomalies and disordered steroidogenesis. Last evaluated: 2025-05-27. Review status: criteria provided, single submitter. Criteria: ACMG Guidelines, 2015. Collection method: clinical testing. Allele origin: germline. Affected: yes.
Comment: The variant is observed at an extremely low frequency in the gnomAD v4.1.0 dataset (total allele frequency: <0.001%). Predicted Consequence/Location: Missense variant. The majority of the known disease-causing variants of this gene are variants expected to result in premature termination of the protein. In silico tool predictions suggest damaging effect of the variant on gene or gene product [REVEL: 0.87 (>=0.6, sensitivity 0.68 and specificity 0.92); 3Cnet: 0.97 (> 0.75, sensitivity 0.96 and precision 0.92)]. Therefore, this variant is classified as VUS according to the recommendation of ACMG/AMP guideline.